The following is an entry in ClinVar:

NM_006019.4(TCIRG1):c.1144C>T (p.Arg382Cys)

Gene: TCIRG1 (T cell immune regulator 1, ATPase H+ transporting V0 subunit a3; plus strand). Cytogenetic location: 11q13.2.
Variant type: single nucleotide variant.
Coding change: c.1144C>T on transcript NM_006019.4 (MANE Select); coding-DNA position 1144, C replaced by T.
Protein change: p.Arg382Cys; replaces arginine 382 with cysteine.
Molecular consequence: missense variant.
Genome position (GRCh38, 1-based): chr11:68,045,081, C>T. VCF-style: chr11-68045081-C-T. GRCh37 (hg19) VCF-style: chr11-67812548-C-T.
Other names: c.250C>T, p.Arg84Cys (NM_001351059.2); c.496C>T, p.Arg166Cys (NM_006053.4); c.1144C>T (NM_006019.3); short protein forms R166C, R382C, R84C.
Identifiers: ClinVar variation 1053788 (VCV001053788.6), dbSNP rs566684294, ClinGen allele CA6146959.

ClinVar aggregate classification (germline): Uncertain significance. Review status: criteria provided, multiple submitters, no conflicts (2 of 4 stars). 3 submissions from 3 submitters: Uncertain significance (2). 1 of the submissions does not count toward it. Last evaluated 2025-05-14.

Conditions:
Autosomal recessive osteopetrosis 1. Also called: ALBERS-SCHONBERG DISEASE, AUTOSOMAL RECESSIVE; TCIRG1-Related Osteopetrosis; TCIRG1-Related Autosomal Recessive Osteopetrosis. Identifiers: Orphanet 667, MedGen C1850127, MONDO:0009815, OMIM 259700.
Inborn genetic diseases. Identifiers: MedGen C0950123, MeSH D030342.

Allele frequency attached by ClinVar (database versions not stated): gnomAD 0.00003; gnomAD exomes 0.00003 and 0.00005; ExAC 0.00005; 1000 Genomes Project 0.00020; 1000 Genomes Project 30x 0.00031.

Submissions (3):

Ambry Genetics
Classification: Uncertain significance for Inborn genetic diseases. Last evaluated: 2025-05-14. Review status: criteria provided, single submitter. Criteria: Ambry Variant Classification Scheme 2023. Collection method: clinical testing. Allele origin: germline.

Labcorp Genetics (formerly Invitae), Labcorp
Classification: Uncertain significance. Last evaluated: 2022-04-10. Review status: criteria provided, single submitter. Criteria: Invitae Variant Classification Sherloc (09022015). Collection method: clinical testing. Allele origin: germline.
Comment: This sequence change replaces arginine, which is basic and polar, with cysteine, which is neutral and slightly polar, at codon 382 of the TCIRG1 protein (p.Arg382Cys). This variant is present in population databases (rs566684294, gnomAD 0.02%). This variant has not been reported in the literature in individuals affected with TCIRG1-related conditions. ClinVar contains an entry for this variant (Variation ID: 1053788). Algorithms developed to predict the effect of missense changes on protein structure and function output the following: SIFT: "Tolerated"; PolyPhen-2: "Benign"; Align-GVGD: "Class C0". The cysteine amino acid residue is found in multiple mammalian species, which suggests that this missense change does not adversely affect protein function. In summary, the available evidence is currently insufficient to determine the role of this variant in disease. Therefore, it has been classified as a Variant of Uncertain Significance.

Natera, Inc.
Classification: Uncertain significance for Infantile malignant osteopetrosis. Last evaluated: 2020-02-13. Review status: no assertion criteria provided. Collection method: clinical testing. Allele origin: germline. Not counted in ClinVar's aggregate classification.